The following is an entry in ClinVar:

NM_000059.4(BRCA2):c.1457A>G (p.Gln486Arg)

Gene: BRCA2 (BRCA2 DNA repair associated; plus strand). Cytogenetic location: 13q13.1.
Variant type: single nucleotide variant.
Coding change: c.1457A>G on transcript NM_000059.4 (MANE Select); coding-DNA position 1457, A replaced by G.
Protein change: p.Gln486Arg; replaces glutamine 486 with arginine.
Molecular consequence: missense variant.
Genome position (GRCh38, 1-based): chr13:32,332,935, A>G. VCF-style: chr13-32332935-A-G. GRCh37 (hg19) VCF-style: chr13-32907072-A-G.
Other names: short protein forms Q486R.
Identifiers: ClinVar variation 230826 (VCV000230826.15), dbSNP rs757735681, ClinGen allele CA10579496.

ClinVar aggregate classification (germline): Conflicting classifications of pathogenicity. Review status: criteria provided, conflicting classifications (1 of 4 stars). 3 submissions from 3 submitters: Uncertain significance (2); Likely benign (1). Last evaluated 2023-03-23.

Conditions:
Hereditary cancer-predisposing syndrome. Also called: Neoplastic Syndromes, Hereditary; Tumor predisposition; Hereditary Cancer Syndrome; Hereditary neoplastic syndrome. Identifiers: Orphanet 140162, MedGen C0027672, MeSH D009386, MONDO:0015356.
Hereditary breast ovarian cancer syndrome. Also called: BRCA1- and BRCA2-Associated Hereditary Breast and Ovarian Cancer; Hereditary breast and ovarian cancer syndrome; Hereditary breast and ovarian cancer; Hereditary breast and ovarian cancer syndrome (HBOC); Breast and ovarian cancer; Hereditary breast and/or ovarian cancer syndrome. Identifiers: Orphanet 145, MedGen C0677776, MeSH D061325, MONDO:0003582. Disease mechanism: loss of function.

gnomAD v4.1: 2 of 1,607,708 alleles (0.00012%); highest among the groups gnomAD compares: Non-Finnish European, 0.00017%; no homozygotes.

Submissions (3):

University of Washington Department of Laboratory Medicine, University of Washington
Classification: Likely benign for Hereditary cancer-predisposing syndrome. Last evaluated: 2023-03-23. Review status: criteria provided, single submitter. Criteria: Dines et al. (Genet Med. 2020). Collection method: curation. Allele origin: germline.
Comment: Missense variant in a coldspot region where missense variants are very unlikely to be pathogenic (PMID:31911673).

BRCA2 exon 10 coldspot. Reclassification based on statistical prior probability.

Labcorp Genetics (formerly Invitae), Labcorp
Classification: Uncertain significance for Hereditary breast ovarian cancer syndrome. Last evaluated: 2022-12-24. Review status: criteria provided, single submitter. Criteria: Invitae Variant Classification Sherloc (09022015). Collection method: clinical testing. Allele origin: germline.
Comment: In summary, the available evidence is currently insufficient to determine the role of this variant in disease. Therefore, it has been classified as a Variant of Uncertain Significance. Advanced modeling of protein sequence and biophysical properties (such as structural, functional, and spatial information, amino acid conservation, physicochemical variation, residue mobility, and thermodynamic stability) performed at Invitae indicates that this missense variant is not expected to disrupt BRCA2 protein function. ClinVar contains an entry for this variant (Variation ID: 230826). This variant has not been reported in the literature in individuals affected with BRCA2-related conditions. This variant is not present in population databases (gnomAD no frequency). This sequence change replaces glutamine, which is neutral and polar, with arginine, which is basic and polar, at codon 486 of the BRCA2 protein (p.Gln486Arg).

Ambry Genetics
Classification: Uncertain significance for Hereditary cancer-predisposing syndrome. Last evaluated: 2015-03-09. Review status: criteria provided, single submitter. Criteria: Ambry Variant Classification Scheme 2023. Collection method: clinical testing. Allele origin: germline.
Comment: The p.Q486R variant (also known as c.1457A>G or 1685A>G), located in coding exon 9 of the BRCA2 gene, results from an A to G substitution at nucleotide position 1457. The glutamine at codon 486 is replaced by arginine, an amino acid with highly similar properties. This variant was not reported in population based cohorts in the following databases: Database of Single Nucleotide Polymorphisms (dbSNP), NHLBI Exome Sequencing Project (ESP), and 1000 Genomes Project. In the ESP, this variant was not observed in 6502 samples (13004 alleles) with coverage at this position. To date, this alteration has been detected with an allele frequency of approximately 0.001% (greater than 105000 alleles tested) in our clinical cohort. This amino acid position is poorly conserved in available vertebrate species. In addition, this alteration is predicted to be tolerated by in silico analysis. Since supporting evidence is limited at this time, the clinical significance of p.Q486R remains unclear.